The following is an entry in ClinVar:

NM_000038.6(APC):c.532-463C>T

Gene: APC (APC regulator of WNT signaling pathway; plus strand). Cytogenetic location: 5q22.2.
Variant type: single nucleotide variant.
Coding change: c.532-463C>T on transcript NM_000038.6 (MANE Select); 463 bases into the intron before coding-DNA position 532, C replaced by T.
Molecular consequence: intron variant.
Genome position (GRCh38, 1-based): chr5:112,780,327, C>T. VCF-style: chr5-112780327-C-T. GRCh37 (hg19) VCF-style: chr5-112116024-C-T.
Other names: c.532-463C>T (NM_001354895.2, NM_001127510.3, NM_001354896.2 and 2 more transcripts); c.562-463C>T (NM_001354897.2, NM_001354902.2, NM_001127511.3); c.457-463C>T (NM_001354898.2, NM_001354904.2); c.-504-463C>T (NM_001354906.2); c.355-463C>T (NM_001354900.2, NM_001354901.2, NM_001354905.2).
Identifiers: ClinVar variation 82934 (VCV000082934.2), dbSNP rs62364017, ClinGen allele CA010311.

ClinVar aggregate classification (germline): other (0 of 4 stars; one submission).

Conditions:
Familial colorectal cancer. Identifiers: MedGen CN280943, MONDO:0023113. Disease mechanism: loss of function.

Allele frequency attached by ClinVar (database versions not stated): gnomAD 0.46983 and 0.47890; TOPMed 0.48664; 1000 Genomes Project 30x 0.52264; 1000 Genomes Project 0.52496.
gnomAD v4.1: 72,845 of 151,962 alleles (48%); highest among the groups gnomAD compares: East Asian, 74%; 18,444 homozygotes.

Submission:

Systems Biology Platform Zhejiang California International NanoSystems Institute
Classification: other for Familial colorectal cancer. Review status: no assertion criteria provided. Collection method: not provided. Allele origin: unknown.
ClinVar note: Converted during submission from cancer to other.